The following is an entry in ClinVar:

ClinVar aggregate classification (germline): Uncertain significance (1 of 4 stars; one submission).

Conditions:
Aortic aneurysm, familial thoracic 7 (AAT7). Also called: AORTIC DISSECTION, FAMILIAL, WITH OR WITHOUT AORTIC ANEURYSM. Identifiers: MedGen C3151077, MONDO:0013418, OMIM 613780.

Submission:

Labcorp Genetics (formerly Invitae), Labcorp
Classification: Uncertain significance for Aortic aneurysm, familial thoracic 7. Last evaluated: 2022-09-27. Review status: criteria provided, single submitter. Criteria: Invitae Variant Classification Sherloc (09022015). Collection method: clinical testing. Allele origin: germline.
Comment: This variant is a gross deletion of the genomic region encompassing exon(s) 20 of the MYLK gene. This variant would be expected to be in-frame, preserving the integrity of the reading frame. This variant has not been reported in the literature in individuals affected with MYLK-related conditions. Experimental studies and prediction algorithms are not available or were not evaluated, and the functional significance of this variant is currently unknown. In summary, the available evidence is currently insufficient to determine the role of this variant in disease. Therefore, it has been classified as a Variant of Uncertain Significance.

NC_000003.12:g.(?_123682204)_(123682330_?)del

Gene: MYLK (myosin light chain kinase; minus strand). Cytogenetic location: 3q21.1.
Variant type: Deletion.
Identifiers: ClinVar variation 584049 (VCV000584049.2).